The following is an entry in ClinVar:

NM_170707.4(LMNA):c.936+2T>C

Gene: LMNA (lamin A/C; plus strand). Cytogenetic location: 1q22.
Variant type: single nucleotide variant.
Coding change: c.936+2T>C on transcript NM_170707.4 (MANE Select); the canonical splice donor site of the intron after coding-DNA position 936, T replaced by C.
Molecular consequence: splice donor variant.
Genome position (GRCh38, 1-based): chr1:156,135,314, T>C. VCF-style: chr1-156135314-T-C. GRCh37 (hg19) VCF-style: chr1-156105105-T-C.
Other names: c.272+2T>C (NM_001407001.1, NM_001406999.1, NM_001407000.1 and 1 more transcripts); c.378+2T>C (NM_001406995.1, NM_001406990.1, NM_001406996.1 and 4 more transcripts); c.936+2T>C (NM_005572.4, NM_001406983.1, NM_001282625.2 and 6 more transcripts); c.693+2T>C (NM_001406987.1, NM_001282624.2, NM_001406986.1); c.600+2T>C (NM_001406989.1, NM_001257374.3, NM_001406998.1); c.639+2T>C (NM_001406988.1).
Identifiers: ClinVar variation 208496 (VCV000208496.9), dbSNP rs797045011, ClinGen allele CA275974.

ClinVar aggregate classification (germline): Conflicting classifications of pathogenicity. Review status: criteria provided, conflicting classifications (1 of 4 stars). 4 submissions from 4 submitters: Likely pathogenic (3); Uncertain significance (1). Last evaluated 2023-09-27.

Conditions:
Charcot-Marie-Tooth disease type 2. Also called: Charcot-Marie-Tooth type 2. Identifiers: Orphanet 64746, MedGen C0270914, MONDO:0018993.
Hutchinson-Gilford syndrome (HGPS). Also called: Hutchinson-Gilford Progeria Syndrome. Identifiers: Orphanet 740, MedGen C0033300, MONDO:0008310, OMIM 176670.
Cardiovascular phenotype. Identifiers: MedGen CN230736.
Cardiomyopathy (CMYO). Also called: Cardiomyopathies. Identifiers: Orphanet 167848, MedGen C0878544, MONDO:0004994, HP:0001638. Inheritance: Various modes of inheritance.

Submissions (4):

Labcorp Genetics (formerly Invitae), Labcorp
Classification: Likely pathogenic for Charcot-Marie-Tooth disease type 2. Last evaluated: 2023-09-27. Review status: criteria provided, single submitter. Criteria: Invitae Variant Classification Sherloc (09022015). Collection method: clinical testing. Allele origin: germline.
Comment: In summary, the currently available evidence indicates that the variant is pathogenic, but additional data are needed to prove that conclusively. Therefore, this variant has been classified as Likely Pathogenic. Disruption of this splice site has been observed in individual(s) with LMNA-related conditions (PMID: 23349452, 31038196). Algorithms developed to predict the effect of sequence changes on RNA splicing suggest that this variant may disrupt the consensus splice site. ClinVar contains an entry for this variant (Variation ID: 208496). This variant is not present in population databases (gnomAD no frequency). This sequence change affects a donor splice site in intron 5 of the LMNA gene. It is expected to disrupt RNA splicing. Variants that disrupt the donor or acceptor splice site typically lead to a loss of protein function (PMID: 16199547), and loss-of-function variants in LMNA are known to be pathogenic (PMID: 18585512, 18926329).

Ambry Genetics
Classification: Uncertain significance for Cardiovascular phenotype. Last evaluated: 2022-11-02. Review status: criteria provided, single submitter. Criteria: Ambry Variant Classification Scheme 2023. Collection method: clinical testing. Allele origin: germline.
Comment: The c.936+2T>C intronic variant results from a T to C substitution two nucleotides after coding exon 5 in the LMNA gene. Alterations that disrupt the canonical splice site are expected to result in aberrant splicing. In silico splice site analysis predicts that this alteration will weaken the native splice donor site. The resulting transcript is predicted to be in-frame and is not expected to trigger nonsense-mediated mRNAdecay; however, direct evidence is unavailable. The exact functional effect of the altered amino acid sequence is unknown. This nucleotide position is highly conserved in available vertebrate species. Since supporting evidence is limited at this time, the clinical significance of this alteration remains unclear.

CHEO Genetics Diagnostic Laboratory, Children's Hospital of Eastern Ontario
Classification: Likely pathogenic for Cardiomyopathy. Last evaluated: 2020-03-26. Review status: criteria provided, single submitter. Criteria: ACMG Guidelines, 2015. Collection method: clinical testing. Allele origin: germline.

Mendelics
Classification: Likely pathogenic for Hutchinson-Gilford syndrome. Last evaluated: 2019-05-28. Review status: criteria provided, single submitter. Criteria: Mendelics Assertion Criteria 2017. Collection method: clinical testing. Allele origin: unknown.

Literature cited by the submitters: PubMed 23349452 (cited by Labcorp Genetics (formerly Invitae), Labcorp); PubMed 31038196 (cited by Labcorp Genetics (formerly Invitae), Labcorp); PubMed 16199547 (cited by Labcorp Genetics (formerly Invitae), Labcorp); PubMed 18585512 (cited by Labcorp Genetics (formerly Invitae), Labcorp); PubMed 18926329 (cited by Labcorp Genetics (formerly Invitae), Labcorp).